The following is an entry in ClinVar:

NM_002691.4(POLD1):c.200A>G (p.Asp67Gly)

Gene: POLD1 (DNA polymerase delta 1, catalytic subunit; plus strand). Cytogenetic location: 19q13.33.
Variant type: single nucleotide variant.
Coding change: c.200A>G on transcript NM_002691.4 (MANE Select); coding-DNA position 200, A replaced by G.
Protein change: p.Asp67Gly; replaces aspartic acid 67 with glycine.
Molecular consequence: missense variant. On other transcripts: non-coding transcript variant (1).
Genome position (GRCh38, 1-based): chr19:50,399,051, A>G. VCF-style: chr19-50399051-A-G. GRCh37 (hg19) VCF-style: chr19-50902308-A-G.
Other names: c.200A>G, p.Asp67Gly (NM_001256849.1, NM_001308632.1); short protein forms D67G.
Identifiers: ClinVar variation 1484798 (VCV001484798.8), dbSNP rs2122198014, ClinGen allele CA406970360.

ClinVar aggregate classification (germline): Uncertain significance (1 of 4 stars; one submission).

Conditions:
POLD1-related polyposis and colorectal cancer syndrome (CRCS10). Also called: Colorectal cancer 10; COLORECTAL CANCER, SUSCEPTIBILITY TO, ON CHROMOSOME 19q; Colorectal cancer, susceptibility to, 10. Identifiers: Orphanet 220460, MedGen C2675481, MONDO:0012953, OMIM 612591.

Submission:

Labcorp Genetics (formerly Invitae), Labcorp
Classification: Uncertain significance for POLD1-related polyposis and colorectal cancer syndrome. Last evaluated: 2021-06-18. Review status: criteria provided, single submitter. Criteria: Invitae Variant Classification Sherloc (09022015). Collection method: clinical testing. Allele origin: germline.
Comment: This sequence change replaces aspartic acid with glycine at codon 67 of the POLD1 protein (p.Asp67Gly). The aspartic acid residue is weakly conserved and there is a moderate physicochemical difference between aspartic acid and glycine. This variant is not present in population databases (ExAC no frequency). This variant has not been reported in the literature in individuals with POLD1-related conditions. Algorithms developed to predict the effect of missense changes on protein structure and function output the following: SIFT: "Tolerated"; PolyPhen-2: "Benign"; Align-GVGD: "Class C0". The glycine amino acid residue is found in multiple mammalian species, suggesting that this missense change does not adversely affect protein function. These predictions have not been confirmed by published functional studies and their clinical significance is uncertain. In summary, the available evidence is currently insufficient to determine the role of this variant in disease. Therefore, it has been classified as a Variant of Uncertain Significance.